The following is an entry in ClinVar:

NM_001365276.2(TNXB):c.1221C>G (p.Asp407Glu)

Gene: TNXB (tenascin XB; minus strand). Cytogenetic location: 6p21.33.
Variant type: single nucleotide variant.
Coding change: c.1221C>G on transcript NM_001365276.2 (MANE Select); coding-DNA position 1221, C replaced by G.
Protein change: p.Asp407Glu; replaces aspartic acid 407 with glutamic acid.
Molecular consequence: missense variant.
Genome position (GRCh38, 1-based): chr6:32,096,632, G>C on the plus strand (C>G on the coding strand, the complement: TNXB is on the minus strand). VCF-style: chr6-32096632-G-C. GRCh37 (hg19) VCF-style: chr6-32064409-G-C.
Other names: c.1221C>G, p.Asp407Glu (NM_019105.8); short protein forms D407E.
Identifiers: ClinVar variation 2451173 (VCV002451173.2), dbSNP rs2483760280, ClinGen allele CA363482919.

ClinVar aggregate classification (germline): Uncertain significance (1 of 4 stars; one submission).

Conditions:
Cardiovascular phenotype. Identifiers: MedGen CN230736.

Submission:

Ambry Genetics
Classification: Uncertain significance for Cardiovascular phenotype. Last evaluated: 2023-02-05. Review status: criteria provided, single submitter. Criteria: Ambry Variant Classification Scheme 2023. Collection method: clinical testing. Allele origin: germline.
Comment: The p.D407E variant (also known as c.1221C>G), located in coding exon 2 of the TNXB gene, results from a C to G substitution at nucleotide position 1221. The aspartic acid at codon 407 is replaced by glutamic acid, an amino acid with highly similar properties. This amino acid position is conserved. In addition, this alteration is predicted to be tolerated by in silico analysis. Since supporting evidence is limited at this time, the clinical significance of this alteration remains unclear.